The following is an entry in ClinVar:

NM_001378454.1(ALMS1):c.10078+1G>T

Gene: ALMS1 (ALMS1 centrosome and basal body associated protein; plus strand). Cytogenetic location: 2p13.1.
Variant type: single nucleotide variant.
Coding change: c.10078+1G>T on transcript NM_001378454.1 (MANE Select); the canonical splice donor site of the intron after coding-DNA position 10078, G replaced by T.
Molecular consequence: splice donor variant.
Genome position (GRCh38, 1-based): chr2:73,550,438, G>T. VCF-style: chr2-73550438-G-T. GRCh37 (hg19) VCF-style: chr2-73777565-G-T.
Other names: c.10078+1G>T (NM_015120.4); c.10081+1G>T (NM_015120.4).
Identifiers: ClinVar variation 1525414 (VCV001525414.10), dbSNP rs765075310, ClinGen allele CA1714860.

ClinVar aggregate classification (germline): Conflicting classifications of pathogenicity. Review status: criteria provided, conflicting classifications (1 of 4 stars). 2 submissions from 2 submitters: Likely pathogenic (1); Uncertain significance (1). Last evaluated 2025-04-16.

Conditions:
Alstrom syndrome (ALMS). Identifiers: Orphanet 64, MedGen C0268425, MONDO:0008763, OMIM 203800.
Cardiovascular phenotype. Identifiers: MedGen CN230736.

Allele frequency attached by ClinVar (database versions not stated): gnomAD exomes below 0.00001 and 0.00004; ExAC 0.00001; gnomAD 0.00001.
gnomAD v4.1: 57 of 1,613,920 alleles (0.0035%); highest among the groups gnomAD compares: Non-Finnish European, 0.0046%; no homozygotes.

Submissions (3):

Ambry Genetics
Classification: Uncertain significance for Cardiovascular phenotype. Last evaluated: 2025-04-16. Review status: criteria provided, single submitter. Criteria: Ambry Variant Classification Scheme 2023. Collection method: clinical testing. Allele origin: germline.
Comment: The c.10081+1G>T intronic variant results from a G to T substitution one nucleotide after coding exon 13 of the ALMS1 gene. Alterations that disrupt the canonical splice site are expected to cause aberrant splicing. In silico splice site analysis predicts that this alteration will weaken the native splice donor site. A resulting transcript is predicted to be in-frame and is not expected to trigger nonsense-mediated mRNA decay; although, direct evidence is unavailable. This nucleotide position is highly conserved in available vertebrate species. Based on the available evidence, the clinical significance of this variant remains unclear.

Labcorp Genetics (formerly Invitae), Labcorp
Classification: Likely pathogenic for Alstrom syndrome. Last evaluated: 2024-02-11. Review status: criteria provided, single submitter. Criteria: Invitae Variant Classification Sherloc (09022015). Collection method: clinical testing. Allele origin: germline.
Comment: This sequence change affects a donor splice site in intron 13 of the ALMS1 gene. It is expected to disrupt RNA splicing. Variants that disrupt the donor or acceptor splice site typically lead to a loss of protein function (PMID: 16199547), and loss-of-function variants in ALMS1 are known to be pathogenic (PMID: 17594715). The frequency data for this variant in the population databases is considered unreliable, as metrics indicate poor data quality at this position in the gnomAD database. This variant has not been reported in the literature in individuals affected with ALMS1-related conditions. ClinVar contains an entry for this variant (Variation ID: 1525414). Algorithms developed to predict the effect of sequence changes on RNA splicing suggest that this variant may disrupt the consensus splice site. In summary, the currently available evidence indicates that the variant is pathogenic, but additional data are needed to prove that conclusively. Therefore, this variant has been classified as Likely Pathogenic.

Dr. Peter K. Rogan Lab, Western University
No classification provided (evidence only). Condition: Adrenocortical carcinoma, hereditary. Review status: no classification provided. Collection method: in vitro. Allele origin: not applicable. Functional consequence: skipped exon. Not counted in ClinVar's aggregate classification.

Literature cited by the submitters: PubMed 16199547 (cited by Labcorp Genetics (formerly Invitae), Labcorp); PubMed 17594715 (cited by Labcorp Genetics (formerly Invitae), Labcorp).